The following is an entry in ClinVar:

ClinVar aggregate classification (germline): Uncertain significance (1 of 4 stars; one submission).

Conditions:
Primary ciliary dyskinesia. Also called: Ciliary dyskinesia. Identifiers: Orphanet 244, MedGen C0008780, MONDO:0016575, HP:0012265.

Submission:

Labcorp Genetics (formerly Invitae), Labcorp
Classification: Uncertain significance for Primary ciliary dyskinesia. Last evaluated: 2021-08-28. Review status: criteria provided, single submitter. Criteria: Invitae Variant Classification Sherloc (09022015). Collection method: clinical testing. Allele origin: germline.
Comment: This sequence change replaces valine with isoleucine at codon 623 of the RSPH4A protein (p.Val623Ile). The valine residue is highly conserved and there is a small physicochemical difference between valine and isoleucine. This variant is not present in population databases (ExAC no frequency). This variant has not been reported in the literature in individuals affected with RSPH4A-related conditions. Algorithms developed to predict the effect of missense changes on protein structure and function output the following: SIFT: "Tolerated"; PolyPhen-2: "Benign"; Align-GVGD: "Class C0". The isoleucine amino acid residue is found in multiple mammalian species, which suggests that this missense change does not adversely affect protein function. In summary, the available evidence is currently insufficient to determine the role of this variant in disease. Therefore, it has been classified as a Variant of Uncertain Significance.

NM_001010892.3(RSPH4A):c.1867G>A (p.Val623Ile)

Gene: RSPH4A (radial spoke head component 4A; plus strand). Cytogenetic location: 6q22.1.
Variant type: single nucleotide variant.
Coding change: c.1867G>A on transcript NM_001010892.3 (MANE Select); coding-DNA position 1867, G replaced by A.
Protein change: p.Val623Ile; replaces valine 623 with isoleucine.
Molecular consequence: missense variant. On other transcripts: synonymous variant (1).
Genome position (GRCh38, 1-based): chr6:116,630,503, G>A. VCF-style: chr6-116630503-G-A. GRCh37 (hg19) VCF-style: chr6-116951666-G-A.
Other names: c.1731G>A, p.Gln577= (NM_001161664.2); short protein forms V623I.
Identifiers: ClinVar variation 566496 (VCV000566496.6), dbSNP rs1562392873, ClinGen allele CA365410201.